The following is an entry in ClinVar:

ClinVar aggregate classification (germline): Uncertain significance. Review status: criteria provided, multiple submitters, no conflicts (2 of 4 stars). 2 submissions from 2 submitters: Uncertain significance (2). Last evaluated 2025-11-19.

Conditions:
Inborn genetic diseases. Identifiers: MedGen C0950123, MeSH D030342.

Submissions (2):

Ambry Genetics
Classification: Uncertain significance for Inborn genetic diseases. Last evaluated: 2025-11-19. Review status: criteria provided, single submitter. Criteria: Ambry Variant Classification Scheme 2023. Collection method: clinical testing. Allele origin: germline.

Labcorp Genetics (formerly Invitae), Labcorp
Classification: Uncertain significance. Last evaluated: 2025-01-30. Review status: criteria provided, single submitter. Criteria: Invitae Variant Classification Sherloc (09022015). Collection method: clinical testing. Allele origin: germline.
Comment: This sequence change replaces serine, which is neutral and polar, with tyrosine, which is neutral and polar, at codon 258 of the HPS1 protein (p.Ser258Tyr). This variant is not present in population databases (gnomAD no frequency). This variant has not been reported in the literature in individuals affected with HPS1-related conditions. Invitae Evidence Modeling of protein sequence and biophysical properties (such as structural, functional, and spatial information, amino acid conservation, physicochemical variation, residue mobility, and thermodynamic stability) indicates that this missense variant is not expected to disrupt HPS1 protein function with a negative predictive value of 95%. In summary, the available evidence is currently insufficient to determine the role of this variant in disease. Therefore, it has been classified as a Variant of Uncertain Significance.

NM_000195.5(HPS1):c.773C>A (p.Ser258Tyr)

Gene: HPS1 (HPS1 biogenesis of lysosomal organelles complex 3 subunit 1; minus strand). Cytogenetic location: 10q24.2.
Variant type: single nucleotide variant.
Coding change: c.773C>A on transcript NM_000195.5 (MANE Select); coding-DNA position 773, C replaced by A.
Protein change: p.Ser258Tyr; replaces serine 258 with tyrosine.
Molecular consequence: missense variant. On other transcripts: 5 prime UTR variant (1), intron variant (8).
Genome position (GRCh38, 1-based): chr10:98,429,885, G>T on the plus strand (C>A on the coding strand, the complement: HPS1 is on the minus strand). VCF-style: chr10-98429885-G-T. GRCh37 (hg19) VCF-style: chr10-100189642-G-T.
Other names: c.773C>A, p.Ser258Tyr (NM_001322476.2, NM_001322477.2, NM_182639.4); c.512C>A, p.Ser171Tyr (NM_001322480.2, NM_001322481.2); c.404C>A, p.Ser135Tyr (NM_001322483.2, NM_001322484.2); c.-200C>A (NM_001322487.2); c.655C>A, p.Pro219Thr (NM_001322490.2); c.769-243C>A (NM_001322478.2, NM_001322479.2, NM_001322491.2); c.400-243C>A (NM_001322485.2); c.508-243C>A (NM_001322482.2); and 3 more; short protein forms S135Y, S171Y, S258Y, P219T.
Identifiers: ClinVar variation 3659040 (VCV003659040.2).
Genomic context (GRCh38, chr10:98,429,885, plus strand): 5'-GAGTGAGGGCTCCAGGCCTGCTGCACGGGGATGTTCTGGCTGCTCCGGGCCCTCCGCGGG[G>T]AAGGCTGTGCAGGGCAGGGGAGAGGCTGGTTAGCTCCTATCTGACCTGGCTCCCTCCACC-3'
Protein context (NP_000186.2, residues 248-268): ESTAEDDIQP[Ser258Tyr]PRRARSSQNI